The following is an entry in ClinVar:

ClinVar aggregate classification (germline): Uncertain significance (1 of 4 stars; one submission).

Conditions:
Hereditary breast ovarian cancer syndrome. Also called: Hereditary breast and ovarian cancer syndrome (HBOC); BRCA1- and BRCA2-Associated Hereditary Breast and Ovarian Cancer; Hereditary breast and/or ovarian cancer syndrome; Hereditary breast and ovarian cancer; Breast and ovarian cancer; Hereditary breast and ovarian cancer syndrome. Identifiers: Orphanet 145, MedGen C0677776, MeSH D061325, MONDO:0003582. Disease mechanism: loss of function.

Submission:

Labcorp Genetics (formerly Invitae), Labcorp
Classification: Uncertain significance for Hereditary breast ovarian cancer syndrome. Last evaluated: 2024-03-22. Review status: criteria provided, single submitter. Criteria: Invitae Variant Classification Sherloc (09022015). Collection method: clinical testing. Allele origin: germline.
Comment: This sequence change replaces glutamic acid, which is acidic and polar, with glycine, which is neutral and non-polar, at codon 141 of the BRCA1 protein (p.Glu141Gly). This variant is not present in population databases (gnomAD no frequency). This variant has not been reported in the literature in individuals affected with BRCA1-related conditions. Advanced modeling of protein sequence and biophysical properties (such as structural, functional, and spatial information, amino acid conservation, physicochemical variation, residue mobility, and thermodynamic stability) performed at Invitae indicates that this missense variant is not expected to disrupt BRCA1 protein function with a negative predictive value of 95%. In summary, the available evidence is currently insufficient to determine the role of this variant in disease. Therefore, it has been classified as a Variant of Uncertain Significance.

NM_007294.4(BRCA1):c.422A>G (p.Glu141Gly)

Gene: BRCA1 (BRCA1 DNA repair associated; minus strand). Cytogenetic location: 17q21.31.
Variant type: single nucleotide variant.
Coding change: c.422A>G on transcript NM_007294.4 (MANE Select); coding-DNA position 422, A replaced by G.
Protein change: p.Glu141Gly; replaces glutamic acid 141 with glycine.
Molecular consequence: missense variant. On other transcripts: intron variant (2).
Genome position (GRCh38, 1-based): chr17:43,104,141, T>C on the plus strand (A>G on the coding strand, the complement: BRCA1 is on the minus strand). VCF-style: chr17-43104141-T-C. GRCh37 (hg19) VCF-style: chr17-41256158-T-C.
Other names: c.212A>G, p.Glu71Gly (NM_001407571.1, NM_001407853.1, NM_001407879.1 and 58 more transcripts); c.422A>G, p.Glu141Gly (NM_001407581.1, NM_001407582.1, NM_001407583.1 and 164 more transcripts); c.413A>G, p.Glu138Gly (NM_001407646.1, NM_001407647.1, NM_001408408.1); c.344A>G, p.Glu115Gly (NM_001407653.1, NM_001407654.1, NM_001407655.1 and 21 more transcripts); c.281A>G, p.Glu94Gly (NM_001407692.1, NM_001407694.1, NM_001407695.1 and 99 more transcripts); c.41A>G, p.Glu14Gly (NM_001407959.1, NM_001407960.1, NM_001407962.1 and 4 more transcripts); c.290A>G, p.Glu97Gly (NM_001408451.1); c.-218-9281A>G (NM_001407967.1, NM_001407966.1); short protein forms E115G, E14G, E71G, E141G, E94G, E138G, E97G.
Identifiers: ClinVar variation 3679250 (VCV003679250.2).
Genomic context (GRCh38, chr17:43,104,141, plus strand): 5'-GAAAAGAAGAAGAAGAAGAAGAAGAAAACAAATGGTTTTACCAAGGAAGGATTTTCGGGT[T>C]CACTCTGTAGAAGTCTTTTGGCACGGTTTCTGTAGCCCATACTTTGGATGATAGAAACTT-3'
Protein context (NP_009225.1, residues 131-151): RNRAKRLLQS[Glu141Gly]PENPSLQETS